The following is an entry in ClinVar:

NM_170606.3(KMT2C):c.7958T>C (p.Leu2653Pro)

Gene: KMT2C (lysine methyltransferase 2C; minus strand). Cytogenetic location: 7q36.1.
Variant type: single nucleotide variant.
Coding change: c.7958T>C on transcript NM_170606.3 (MANE Select); coding-DNA position 7958, T replaced by C.
Protein change: p.Leu2653Pro; replaces leucine 2653 with proline.
Molecular consequence: missense variant.
Genome position (GRCh38, 1-based): chr7:152,177,495, A>G on the plus strand (T>C on the coding strand, the complement: KMT2C is on the minus strand). VCF-style: chr7-152177495-A-G. GRCh37 (hg19) VCF-style: chr7-151874580-A-G.
Other names: c.7958T>C (NM_170606.2); short protein forms L2653P.
Identifiers: ClinVar variation 134781 (VCV000134781.12), dbSNP rs61730547, ClinGen allele CA160733.
Genomic context (GRCh38, chr7:152,177,495, plus strand): 5'-TCAGACGTTGTTTCAGACGGTACAGATGTTGACAAAGGAGCTTCTGAAAATTCACCACCT[A>G]GTGGATGGTTCAGAGTCCTCATGACCATAGAAGATGAATGGACAGAATGACCTTGCTCTT-3'
Protein context (NP_733751.2, residues 2643-2663): SMVMRTLNHP[Leu2653Pro]GGEFSEAPLS

ClinVar aggregate classification (germline): Benign. Review status: criteria provided, single submitter (1 of 4 stars). 3 submissions from 3 submitters: Benign (1). 2 of the submissions do not count toward it. Last evaluated 2026-01-27.

Conditions:
KMT2C-related disorder. Also called: KMT2C-related condition; KMT2C-related disorders.

Allele frequency attached by ClinVar (database versions not stated): gnomAD exomes 0.00085 and 0.00221; ExAC 0.00275; 1000 Genomes Project 0.00779; gnomAD 0.00800 and 0.00869; 1000 Genomes Project 30x 0.00890; TOPMed 0.00932; ESP Exome Variant Server 0.01046.
gnomAD v4.1: 2,496 of 1,614,174 alleles (0.15%); highest among the groups gnomAD compares: African/African-American, 2.9%; 43 homozygotes.

Submissions (3):

Labcorp Genetics (formerly Invitae), Labcorp
Classification: Benign. Last evaluated: 2026-01-27. Review status: criteria provided, single submitter. Criteria: Invitae Variant Classification Sherloc (09022015). Collection method: clinical testing. Allele origin: germline.

PreventionGenetics, part of Exact Sciences
Classification: Benign for KMT2C-related condition. Last evaluated: 2022-09-09. Review status: no assertion criteria provided. Collection method: clinical testing. Allele origin: germline. Not counted in ClinVar's aggregate classification.
Comment: This variant is classified as benign based on ACMG/AMP sequence variant interpretation guidelines (Richards et al. 2015 PMID: 25741868, with internal and published modifications).

ITMI
No classification provided. Condition: AllHighlyPenetrant. Last evaluated: 2013-09-19. Review status: no classification provided. Collection method: reference population. Allele origin: germline. Not counted in ClinVar's aggregate classification.
Comment: Please see associated publication for description of ethnicities

Literature cited by the submitters: PubMed 24728327 (cited by ITMI).